The following is an entry in ClinVar:

ClinVar aggregate classification (germline): Uncertain significance (1 of 4 stars; one submission).

Allele frequency attached by ClinVar (database versions not stated): gnomAD exomes below 0.00001.
gnomAD v4.1: 3 of 1,550,994 alleles (0.00019%); highest among the groups gnomAD compares: South Asian, 0.0011%; no homozygotes.

Submission:

Labcorp Genetics (formerly Invitae), Labcorp
Classification: Uncertain significance. Last evaluated: 2024-12-07. Review status: criteria provided, single submitter. Criteria: Invitae Variant Classification Sherloc (09022015). Collection method: clinical testing. Allele origin: germline.
Comment: This sequence change falls in intron 12 of the GEN1 gene. It does not directly change the encoded amino acid sequence of the GEN1 protein. This variant is not present in population databases (gnomAD no frequency). This variant has not been reported in the literature in individuals affected with GEN1-related conditions. ClinVar contains an entry for this variant (Variation ID: 2904044). Algorithms developed to predict the effect of sequence changes on RNA splicing suggest that this variant may disrupt the consensus splice site. In summary, the available evidence is currently insufficient to determine the role of this variant in disease. Therefore, it has been classified as a Variant of Uncertain Significance.

NM_001130009.3(GEN1):c.1264+7A>G

Gene: GEN1 (GEN1 structure-specific endonuclease; plus strand). Cytogenetic location: 2p24.2.
Variant type: single nucleotide variant.
Coding change: c.1264+7A>G on transcript NM_001130009.3 (MANE Select); 7 bases into the intron after coding-DNA position 1264, A replaced by G.
Molecular consequence: intron variant.
Genome position (GRCh38, 1-based): chr2:17,778,070, A>G. VCF-style: chr2-17778070-A-G. GRCh37 (hg19) VCF-style: chr2-17959337-A-G.
Other names: c.1264+7A>G (NM_182625.5).
Identifiers: ClinVar variation 2904044 (VCV002904044.3), dbSNP rs2545609168, ClinGen allele CA2657981910.